The following is an entry in ClinVar:

ClinVar aggregate classification (germline): Uncertain significance (1 of 4 stars; one submission).

Allele frequency attached by ClinVar (database versions not stated): gnomAD 0.00001.
gnomAD v4.1: 2 of 1,577,938 alleles (0.00013%); highest among the groups gnomAD compares: African/African-American, 0.0027%; no homozygotes.

Submission:

GeneDx
Classification: Uncertain significance. Last evaluated: 2022-05-20. Review status: criteria provided, single submitter. Criteria: GeneDx Variant Classification Process June 2021. Collection method: clinical testing. Allele origin: germline. Affected: yes.
Comment: Not observed at significant frequency in large population cohorts (gnomAD); In silico analysis supports that this missense variant does not alter protein structure/function; Has not been previously published as pathogenic or benign to our knowledge

NM_080425.4(GNAS):c.1190C>A (p.Ala397Glu)

Gene: GNAS (GNAS complex locus; plus strand). Cytogenetic location: 20q13.32.
Variant type: single nucleotide variant.
Coding change: c.1190C>A on transcript NM_080425.4 (MANE Plus Clinical); coding-DNA position 1190, C replaced by A.
Protein change: p.Ala397Glu; replaces alanine 397 with glutamic acid.
Molecular consequence: missense variant. On other transcripts: intron variant (3).
Genome position (GRCh38, 1-based): chr20:58,854,455, C>A. VCF-style: chr20-58854455-C-A. GRCh37 (hg19) VCF-style: chr20-57429510-C-A.
Other names: c.1003C>A, p.Gln335Lys (NM_001077490.3, NM_001309883.1); c.1190C>A, p.Ala397Glu (NM_001410913.1); c.*42+13569C>A (NM_016592.5); c.43+13569C>A (NM_001410912.1); c.-39+12580C>A (NM_001309861.2); short protein forms A397E, Q335K.
Identifiers: ClinVar variation 1800670 (VCV001800670.1), dbSNP rs895175482, ClinGen allele CA316342384.